The following is an entry in ClinVar:

ClinVar aggregate classification (germline): Likely benign (0 of 4 stars; one submission).

Conditions:
ARHGEF28-related disorder. Also called: ARHGEF28-related condition.

Allele frequency attached by ClinVar (database versions not stated): TOPMed 0.00037; ExAC 0.00061; gnomAD 0.00061; ESP Exome Variant Server 0.00084.

Submission:

PreventionGenetics, part of Exact Sciences
Classification: Likely benign for ARHGEF28-related condition. Last evaluated: 2022-05-23. Review status: no assertion criteria provided. Collection method: clinical testing. Allele origin: germline.
Comment: This variant is classified as likely benign based on ACMG/AMP sequence variant interpretation guidelines (Richards et al. 2015 PMID: 25741868, with internal and published modifications).

NM_001177693.2(ARHGEF28):c.1058C>T (p.Pro353Leu)

Gene: ARHGEF28 (Rho guanine nucleotide exchange factor 28; plus strand). Cytogenetic location: 5q13.2.
Variant type: single nucleotide variant.
Coding change: c.1058C>T on transcript NM_001177693.2 (MANE Select); coding-DNA position 1058, C replaced by T.
Protein change: p.Pro353Leu; replaces proline 353 with leucine.
Molecular consequence: missense variant.
Genome position (GRCh38, 1-based): chr5:73,832,371, C>T. VCF-style: chr5-73832371-C-T. GRCh37 (hg19) VCF-style: chr5-73128196-C-T.
Other names: c.1058C>T, p.Pro353Leu (NM_001080479.3, NM_001388078.1); c.119C>T, p.Pro40Leu (NM_001244364.2); c.764C>T, p.Pro255Leu (NM_001388076.1); short protein forms P255L, P353L, P40L.
Identifiers: ClinVar variation 3050901 (VCV003050901.2), dbSNP rs200126260, ClinGen allele CA3304444.